The following is an entry in ClinVar:

ClinVar aggregate classification (germline): Uncertain significance (1 of 4 stars; one submission).

Conditions:
CHARGE syndrome (CHARGE). Also called: Hittner Hirsch Kreh syndrome; CHARGE ASSOCIATION--COLOBOMA, HEART ANOMALY, CHOANAL ATRESIA, RETARDATION, GENITAL AND EAR ANOMALIES; Coloboma, heart anomaly, choanal atresia, retardation, genital and ear anomalies; CHARGE association; Hall-Hittner syndrome. Identifiers: Orphanet 138, MedGen C0265354, MONDO:0008965.

gnomAD v4.1: 9 of 1,595,496 alleles (0.00056%); highest among the groups gnomAD compares: Non-Finnish European, 0.00077%; no homozygotes.

Submission:

Labcorp Genetics (formerly Invitae), Labcorp
Classification: Uncertain significance for CHARGE syndrome. Last evaluated: 2024-04-16. Review status: criteria provided, single submitter. Criteria: Invitae Variant Classification Sherloc (09022015). Collection method: clinical testing. Allele origin: germline.
Comment: This sequence change falls in intron 8 of the SEMA3E gene. It does not directly change the encoded amino acid sequence of the SEMA3E protein. It affects a nucleotide within the consensus splice site. This variant is not present in population databases (gnomAD no frequency). This variant has not been reported in the literature in individuals affected with SEMA3E-related conditions. Variants that disrupt the consensus splice site are a relatively common cause of aberrant splicing (PMID: 17576681, 9536098). Algorithms developed to predict the effect of sequence changes on RNA splicing suggest that this variant is not likely to affect RNA splicing. In summary, the available evidence is currently insufficient to determine the role of this variant in disease. Therefore, it has been classified as a Variant of Uncertain Significance.

Literature cited by the submitters: PubMed 17576681; PubMed 9536098.

NM_012431.3(SEMA3E):c.928+5A>C

Gene: SEMA3E (semaphorin 3E; minus strand). Cytogenetic location: 7q21.11.
Variant type: single nucleotide variant.
Coding change: c.928+5A>C on transcript NM_012431.3 (MANE Select); 5 bases into the intron after coding-DNA position 928, A replaced by C.
Molecular consequence: intron variant.
Genome position (GRCh38, 1-based): chr7:83,405,940, T>G on the plus strand (A>C on the coding strand, the complement: SEMA3E is on the minus strand). VCF-style: chr7-83405940-T-G. GRCh37 (hg19) VCF-style: chr7-83035256-T-G.
Other names: c.748+5A>C (NM_001178129.2).
Identifiers: ClinVar variation 3712780 (VCV003712780.2).